The following is an entry in ClinVar:

NM_005612.5(REST):c.2249C>G (p.Ser750Cys)

Gene: REST (RE1 silencing transcription factor; plus strand). Cytogenetic location: 4q12.
Variant type: single nucleotide variant.
Coding change: c.2249C>G on transcript NM_005612.5 (MANE Select); coding-DNA position 2249, C replaced by G.
Protein change: p.Ser750Cys; replaces serine 750 with cysteine.
Molecular consequence: missense variant.
Genome position (GRCh38, 1-based): chr4:56,931,107, C>G. VCF-style: chr4-56931107-C-G. GRCh37 (hg19) VCF-style: chr4-57797273-C-G.
Other names: c.2249C>G, p.Ser750Cys (NM_001193508.2, NM_001363453.3); short protein forms S750C.
Identifiers: ClinVar variation 1449201 (VCV001449201.6), dbSNP rs2109576658, ClinGen allele CA357008395.
Genomic context (GRCh38, chr4:56,931,107, plus strand): 5'-AGATGGAGCTGTCTCCTCCCATGGAGGTGGTCCAGAAGGAGCCTGTTCAGATAGAGCTGT[C>G]TCCTCCCATGGAGGTGGTCCAGAAGGAACCTGTTAAGATAGAGCTGTCTCCTCCCATAGA-3'
Protein context (NP_005603.3, residues 740-760): VQKEPVQIEL[Ser750Cys]PPMEVVQKEP

ClinVar aggregate classification (germline): Uncertain significance (1 of 4 stars; one submission).

Allele frequency attached by ClinVar (database versions not stated): gnomAD exomes below 0.00001.
gnomAD v4.1: 1 of 1,597,502 alleles (0.000063%); highest among the groups gnomAD compares: Non-Finnish European, 0.000086%; no homozygotes.

Submission:

Labcorp Genetics (formerly Invitae), Labcorp
Classification: Uncertain significance. Last evaluated: 2021-11-05. Review status: criteria provided, single submitter. Criteria: Invitae Variant Classification Sherloc (09022015). Collection method: clinical testing. Allele origin: germline.
Comment: In summary, the available evidence is currently insufficient to determine the role of this variant in disease. Therefore, it has been classified as a Variant of Uncertain Significance. Algorithms developed to predict the effect of missense changes on protein structure and function are either unavailable or do not agree on the potential impact of this missense change (SIFT: "Deleterious"; PolyPhen-2: "Benign"; Align-GVGD: "Class C15"). This variant has not been reported in the literature in individuals affected with REST-related conditions. This variant is not present in population databases (gnomAD no frequency). This sequence change replaces serine, which is neutral and polar, with cysteine, which is neutral and slightly polar, at codon 750 of the REST protein (p.Ser750Cys).